The following is an entry in ClinVar:

ClinVar aggregate classification (germline): Uncertain significance. Review status: criteria provided, multiple submitters, no conflicts (2 of 4 stars). 2 submissions from 2 submitters: Uncertain significance (2). Last evaluated 2025-04-24.

Conditions:
Nephronophthisis 14 (NPHP14). Identifiers: Orphanet 2318, MedGen C3539071, MONDO:0013916, OMIM 614844.

Allele frequency attached by ClinVar (database versions not stated): gnomAD exomes 0.00001; gnomAD 0.00003 and 0.00004; ExAC 0.00001; TOPMed 0.00007.
gnomAD v4.1: 69 of 1,612,966 alleles (0.0043%); highest among the groups gnomAD compares: Admixed American, 0.005%; no homozygotes.

Submissions (2):

Ambry Genetics
Classification: Uncertain significance. Last evaluated: 2025-04-24. Review status: criteria provided, single submitter. Criteria: Ambry Variant Classification Scheme 2023. Collection method: clinical testing. Allele origin: germline.

Labcorp Genetics (formerly Invitae), Labcorp
Classification: Uncertain significance for Nephronophthisis 14. Last evaluated: 2022-07-31. Review status: criteria provided, single submitter. Criteria: Invitae Variant Classification Sherloc (09022015). Collection method: clinical testing. Allele origin: germline.
Comment: This sequence change replaces threonine, which is neutral and polar, with methionine, which is neutral and non-polar, at codon 973 of the ZNF423 protein (p.Thr973Met). This variant is present in population databases (rs773947241, gnomAD 0.006%). This variant has not been reported in the literature in individuals affected with ZNF423-related conditions. ClinVar contains an entry for this variant (Variation ID: 1412657). Algorithms developed to predict the effect of missense changes on protein structure and function are either unavailable or do not agree on the potential impact of this missense change (SIFT: "Tolerated"; PolyPhen-2: "Probably Damaging"; Align-GVGD: "Class C0"). In summary, the available evidence is currently insufficient to determine the role of this variant in disease. Therefore, it has been classified as a Variant of Uncertain Significance.

NM_001379286.1(ZNF423):c.2942C>T (p.Thr981Met)

Gene: ZNF423 (zinc finger protein 423; minus strand). Cytogenetic location: 16q12.1.
Variant type: single nucleotide variant.
Coding change: c.2942C>T on transcript NM_001379286.1 (MANE Select); coding-DNA position 2942, C replaced by T.
Protein change: p.Thr981Met; replaces threonine 981 with methionine.
Molecular consequence: missense variant.
Genome position (GRCh38, 1-based): chr16:49,636,234, G>A on the plus strand (C>T on the coding strand, the complement: ZNF423 is on the minus strand). VCF-style: chr16-49636234-G-A. GRCh37 (hg19) VCF-style: chr16-49670145-G-A.
Other names: c.2738C>T, p.Thr913Met (NM_001271620.2); c.2567C>T, p.Thr856Met (NM_001330533.2); c.2918C>T, p.Thr973Met (NM_015069.5); c.2918C>T (NM_015069.2); short protein forms T981M, T913M, T973M, T856M.
Identifiers: ClinVar variation 1412657 (VCV001412657.6), dbSNP rs773947241, ClinGen allele CA8046406.
Genomic context (GRCh38, chr16:49,636,234, plus strand): 5'-CAGATGCGACAGGTGCCCGTGTCCAGGCTCTTGCTGTGGGTCACCTTGTGTTCGGTGAGC[G>A]TCAGCAGCGAAGGGAAGCGCTCACCACAGATGGGACACATGTAGTGCTTGGCAGGGCCCC-3'
Protein context (NP_001366215.1, residues 971-991): ICGERFPSLL[Thr981Met]LTEHKVTHSK